The following is an entry in ClinVar:

ClinVar aggregate classification (germline): Conflicting classifications of pathogenicity. Review status: criteria provided, conflicting classifications (1 of 4 stars). 2 submissions from 2 submitters: Uncertain significance (1); Likely benign (1). Last evaluated 2025-01-31.

Conditions:
Hereditary cancer-predisposing syndrome. Also called: Neoplastic Syndromes, Hereditary; Tumor predisposition; Hereditary neoplastic syndrome; Hereditary Cancer Syndrome. Identifiers: Orphanet 140162, MedGen C0027672, MeSH D009386, MONDO:0015356.
Cardiovascular phenotype. Identifiers: MedGen CN230736.

gnomAD v4.1: 2 of 1,614,084 alleles (0.00012%); highest among the groups gnomAD compares: Non-Finnish European, 0.00017%; no homozygotes.

Submissions (2):

Labcorp Genetics (formerly Invitae), Labcorp
Classification: Likely benign. Last evaluated: 2025-01-31. Review status: criteria provided, single submitter. Criteria: Invitae Variant Classification Sherloc (09022015). Collection method: clinical testing. Allele origin: germline.

Ambry Genetics
Classification: Uncertain significance for Cardiovascular phenotype; Hereditary cancer-predisposing syndrome. Last evaluated: 2024-03-07. Review status: criteria provided, single submitter. Criteria: Ambry Variant Classification Scheme 2023. Collection method: clinical testing. Allele origin: germline.
Comment: The c.264-5T>C intronic variant results from a T to C substitution 5 nucleotides upstream from coding exon 3 in the LZTR1 gene. This nucleotide position is well conserved in available vertebrate species. In silico splice site analysis predicts that this alteration will not have any significant effect on splicing. Based on the available evidence, the clinical significance of this alteration remains unclear.

NM_006767.4(LZTR1):c.264-5T>C

Gene: LZTR1 (leucine zipper like post translational regulator 1; plus strand). Cytogenetic location: 22q11.21.
Variant type: single nucleotide variant.
Coding change: c.264-5T>C on transcript NM_006767.4 (MANE Select); 5 bases into the intron before coding-DNA position 264, T replaced by C.
Molecular consequence: intron variant.
Genome position (GRCh38, 1-based): chr22:20,985,836, T>C. VCF-style: chr22-20985836-T-C. GRCh37 (hg19) VCF-style: chr22-21340125-T-C.
Identifiers: ClinVar variation 3238264 (VCV003238264.3), dbSNP rs2147959745.